The following is an entry in ClinVar:

NM_000260.4(MYO7A):c.6203T>G (p.Leu2068Arg)

Gene: MYO7A (myosin VIIA; plus strand). Cytogenetic location: 11q13.5.
Variant type: single nucleotide variant.
Coding change: c.6203T>G on transcript NM_000260.4 (MANE Select); coding-DNA position 6203, T replaced by G.
Protein change: p.Leu2068Arg; replaces leucine 2068 with arginine.
Molecular consequence: missense variant.
Genome position (GRCh38, 1-based): chr11:77,211,303, T>G. VCF-style: chr11-77211303-T-G. GRCh37 (hg19) VCF-style: chr11-76922348-T-G.
Other names: c.6203T>G (NM_000260.3); c.6089T>G, p.Leu2030Arg (NM_001127180.2); c.6056T>G, p.Leu2019Arg (NM_001369365.1); short protein forms L2068R, L2030R, L2019R.
Identifiers: ClinVar variation 374617 (VCV000374617.49), dbSNP rs779090765, ClinGen allele CA6198950.
Genomic context (GRCh38, chr11:77,211,303, plus strand): 5'-AGGACAAGTCCTACTTCCCCAGCATCCCCAAGCTGCTGCGGGAGCTGGTGCCCCAGGACC[T>G]TATCCGGCAGGTCTCACCTGATGACTGGAAGCGGGTGAGCATGGGGTGGGCATCGGGAAT-3'
Protein context (NP_000251.3, residues 2058-2078): KLLRELVPQD[Leu2068Arg]IRQVSPDDWK

ClinVar aggregate classification (germline): Uncertain significance. Review status: criteria provided, multiple submitters, no conflicts (2 of 4 stars). 7 submissions from 5 submitters: Uncertain significance (7). Last evaluated 2025-07-03.

Conditions:
Usher syndrome type 1 (USH1). Also called: RETINITIS PIGMENTOSA AND CONGENITAL DEAFNESS. Identifiers: Orphanet 231169, Orphanet 886, MedGen C1568247, MONDO:0010168, OMIM 276900.
Inborn genetic diseases. Identifiers: MedGen C0950123, MeSH D030342.
Autosomal dominant nonsyndromic hearing loss 11. Identifiers: Orphanet 90635, MedGen C1832475, MONDO:0011032, OMIM 601317.
Autosomal recessive nonsyndromic hearing loss 2. Also called: NEUROSENSORY NONSYNDROMIC RECESSIVE DEAFNESS 2; DEAFNESS, AUTOSOMAL RECESSIVE 2. Identifiers: Orphanet 90636, MedGen C1838701, MONDO:0010807, OMIM 600060.

Allele frequency attached by ClinVar (database versions not stated): gnomAD 0.00001 and 0.00002; TOPMed 0.00001; gnomAD exomes 0.00003 and 0.00006; ExAC 0.00018.

Submissions (7):

Ambry Genetics
Classification: Uncertain significance for Inborn genetic diseases. Last evaluated: 2025-07-03. Review status: criteria provided, single submitter. Criteria: Ambry Variant Classification Scheme 2023. Collection method: clinical testing. Allele origin: germline.

Blueprint Genetics
Classification: Uncertain significance. Last evaluated: 2022-03-16. Review status: criteria provided, single submitter. Criteria: ACMG Guidelines, 2015. Collection method: clinical testing. Allele origin: germline.

Labcorp Genetics (formerly Invitae), Labcorp
Classification: Uncertain significance. Last evaluated: 2021-09-01. Review status: criteria provided, single submitter. Criteria: Invitae Variant Classification Sherloc (09022015). Collection method: clinical testing. Allele origin: germline.
Comment: This sequence change replaces leucine with arginine at codon 2068 of the MYO7A protein (p.Leu2068Arg). The leucine residue is moderately conserved and there is a moderate physicochemical difference between leucine and arginine. This variant is present in population databases (rs779090765, ExAC 0.07%). This variant has not been reported in the literature in individuals affected with MYO7A-related conditions. ClinVar contains an entry for this variant (Variation ID: 374617). Advanced modeling of protein sequence and biophysical properties (such as structural, functional, and spatial information, amino acid conservation, physicochemical variation, residue mobility, and thermodynamic stability) performed at Invitae indicates that this missense variant is expected to disrupt MYO7A protein function. In summary, the available evidence is currently insufficient to determine the role of this variant in disease. Therefore, it has been classified as a Variant of Uncertain Significance.

Genome-Nilou Lab
Classification: Uncertain significance for Autosomal dominant nonsyndromic hearing loss 11. Last evaluated: 2021-07-14. Review status: criteria provided, single submitter. Criteria: ACMG Guidelines, 2015. Collection method: clinical testing. Allele origin: germline. Affected: no.

Genome-Nilou Lab
Classification: Uncertain significance for Autosomal recessive nonsyndromic hearing loss 2. Last evaluated: 2021-07-14. Review status: criteria provided, single submitter. Criteria: ACMG Guidelines, 2015. Collection method: clinical testing. Allele origin: germline. Affected: no.

Genome-Nilou Lab
Classification: Uncertain significance for Usher syndrome type 1. Last evaluated: 2021-07-14. Review status: criteria provided, single submitter. Criteria: ACMG Guidelines, 2015. Collection method: clinical testing. Allele origin: germline. Affected: no.

CeGaT Center for Human Genetics Tuebingen
Classification: Uncertain significance. Last evaluated: 2016-07-01. Review status: criteria provided, single submitter. Criteria: CeGaT Center For Human Genetics Tuebingen Variant Classification Criteria Version 2. Collection method: clinical testing. Allele origin: germline. Affected: yes. Observed: 1 variant allele.